The following is an entry in ClinVar:

NM_001690.4(ATP6V1A):c.395A>G (p.Lys132Arg)

Gene: ATP6V1A (ATPase H+ transporting V1 subunit A; plus strand). Cytogenetic location: 3q13.31.
Variant type: single nucleotide variant.
Coding change: c.395A>G on transcript NM_001690.4 (MANE Select); coding-DNA position 395, A replaced by G.
Protein change: p.Lys132Arg; replaces lysine 132 with arginine.
Molecular consequence: missense variant.
Genome position (GRCh38, 1-based): chr3:113,784,407, A>G. VCF-style: chr3-113784407-A-G. GRCh37 (hg19) VCF-style: chr3-113503254-A-G.
Other names: short protein forms K132R.
Identifiers: ClinVar variation 2781278 (VCV002781278.3), dbSNP rs1472912072, ClinGen allele CA354008710.

ClinVar aggregate classification (germline): Uncertain significance (1 of 4 stars; one submission).

Allele frequency attached by ClinVar (database versions not stated): gnomAD 0.00001.
gnomAD v4.1: 15 of 1,613,988 alleles (0.00093%); highest among the groups gnomAD compares: East Asian, 0.0022%; no homozygotes.

Submission:

Labcorp Genetics (formerly Invitae), Labcorp
Classification: Uncertain significance. Last evaluated: 2023-02-08. Review status: criteria provided, single submitter. Criteria: Invitae Variant Classification Sherloc (09022015). Collection method: clinical testing. Allele origin: germline.
Comment: This sequence change replaces lysine, which is basic and polar, with arginine, which is basic and polar, at codon 132 of the ATP6V1A protein (p.Lys132Arg). This variant is present in population databases (no rsID available, gnomAD 0.006%). This variant has not been reported in the literature in individuals affected with ATP6V1A-related conditions. Advanced modeling of protein sequence and biophysical properties (such as structural, functional, and spatial information, amino acid conservation, physicochemical variation, residue mobility, and thermodynamic stability) performed at Invitae indicates that this missense variant is not expected to disrupt ATP6V1A protein function. In summary, the available evidence is currently insufficient to determine the role of this variant in disease. Therefore, it has been classified as a Variant of Uncertain Significance.